The following is an entry in ClinVar:

ClinVar aggregate classification (germline): Uncertain significance (1 of 4 stars; one submission).

Conditions:
Gastrointestinal stromal tumor. Also called: Gastrointestinal stromal tumor, somatic; Gastrointestinal stroma tumor. Identifiers: Orphanet 44890, MedGen C0238198, MeSH D046152, MONDO:0011719, OMIM 606764, HP:0100723.

Allele frequency attached by ClinVar (database versions not stated): TOPMed below 0.00001; gnomAD 0.00001.
gnomAD v4.1: 1 of 1,614,062 alleles (0.000062%); highest among the groups gnomAD compares: African/African-American, 0.0013%; no homozygotes.

Submission:

Labcorp Genetics (formerly Invitae), Labcorp
Classification: Uncertain significance for Gastrointestinal stromal tumor. Last evaluated: 2023-07-24. Review status: criteria provided, single submitter. Criteria: Invitae Variant Classification Sherloc (09022015). Collection method: clinical testing. Allele origin: germline.
Comment: This sequence change affects codon 585 of the PDGFRA mRNA. It is a 'silent' change, meaning that it does not change the encoded amino acid sequence of the PDGFRA protein. This variant is not present in population databases (gnomAD no frequency). This variant has not been reported in the literature in individuals affected with PDGFRA-related conditions. ClinVar contains an entry for this variant (Variation ID: 1034780). Algorithms developed to predict the effect of sequence changes on RNA splicing suggest that this variant may create or strengthen a splice site. In summary, the available evidence is currently insufficient to determine the role of this variant in disease. Therefore, it has been classified as a Variant of Uncertain Significance.

NM_006206.6(PDGFRA):c.1755A>G (p.Arg585=)

Gene: PDGFRA (platelet derived growth factor receptor alpha; plus strand). Cytogenetic location: 4q12.
Variant type: single nucleotide variant.
Coding change: c.1755A>G on transcript NM_006206.6 (MANE Select); coding-DNA position 1755, A replaced by G.
Protein change: p.Arg585=; no amino-acid change (arginine 585 retained).
Molecular consequence: synonymous variant.
Genome position (GRCh38, 1-based): chr4:54,274,942, A>G. VCF-style: chr4-54274942-A-G. GRCh37 (hg19) VCF-style: chr4-55141109-A-G.
Other names: c.1755A>G, p.Arg585= (NM_001347827.2, NM_001347829.2); c.1830A>G, p.Arg610= (NM_001347828.2); c.1794A>G, p.Arg598= (NM_001347830.2).
Identifiers: ClinVar variation 1034780 (VCV001034780.9), dbSNP rs1321255366, ClinGen allele CA439287217.
Genomic context (GRCh38, chr4:54,274,942, plus strand): 5'-CAGCCCAGATGGACATGAATATATTTATGTGGACCCGATGCAGCTGCCTTATGACTCAAG[A>G]TGGGAGTTTCCAAGAGATGGACTAGTGCTTGGTAAGTTCCATGGGGTAACCTCCCAAGAC-3'
Protein context (NP_006197.1, residues 575-595): VDPMQLPYDS[Arg585=]WEFPRDGLVL